The following is an entry in ClinVar:

NM_030973.4(MED25):c.1912C>T (p.Gln638Ter)

Gene: MED25 (mediator complex subunit 25; plus strand). Cytogenetic location: 19q13.33.
Variant type: single nucleotide variant.
Coding change: c.1912C>T on transcript NM_030973.4 (MANE Select); coding-DNA position 1912, C replaced by T.
Protein change: p.Gln638Ter; replaces glutamine 638 with a stop codon.
Molecular consequence: nonsense.
Genome position (GRCh38, 1-based): chr19:49,835,892, C>T. VCF-style: chr19-49835892-C-T. GRCh37 (hg19) VCF-style: chr19-50339149-C-T.
Other names: c.1912C>T, p.Gln638Ter (NM_001378355.1); short protein forms Q638*.
Identifiers: ClinVar variation 2109911 (VCV002109911.4), dbSNP rs1315613461, ClinGen allele CA406920722.
Genomic context (GRCh38, chr19:49,835,892, plus strand): 5'-CCTCAAGGCCCTCCTGGAGCAGCTTCTGGCCCACCCCCTCCTGGACCCATCCTTCGGCCC[C>T]AGAACCCTGGGGCCAACCCTCAGCTGCGAAGCCTCCTCCTCAACCCACCACCGGTGAGAT-3'

ClinVar aggregate classification (germline): Uncertain significance (1 of 4 stars; one submission).

Conditions:
Charcot-Marie-Tooth disease type 2. Also called: Charcot-Marie-Tooth type 2. Identifiers: Orphanet 64746, MedGen C0270914, MONDO:0018993.

Allele frequency attached by ClinVar (database versions not stated): gnomAD exomes below 0.00001.
gnomAD v4.1: 1 of 1,612,862 alleles (0.000062%); highest among the groups gnomAD compares: Non-Finnish European, 0.000085%; no homozygotes.

Submission:

Labcorp Genetics (formerly Invitae), Labcorp
Classification: Uncertain significance for Charcot-Marie-Tooth disease type 2. Last evaluated: 2024-10-29. Review status: criteria provided, single submitter. Criteria: Invitae Variant Classification Sherloc (09022015). Collection method: clinical testing. Allele origin: germline.
Comment: This sequence change creates a premature translational stop signal (p.Gln638*) in the MED25 gene. It is expected to result in an absent or disrupted protein product. However, the current clinical and genetic evidence is not sufficient to establish whether loss-of-function variants in MED25 cause disease. This variant is not present in population databases (gnomAD no frequency). This variant has not been reported in the literature in individuals affected with MED25-related conditions. ClinVar contains an entry for this variant (Variation ID: 2109911). In summary, the available evidence is currently insufficient to determine the role of this variant in disease. Therefore, it has been classified as a Variant of Uncertain Significance.